The following is an entry in ClinVar:

ClinVar aggregate classification (germline): Uncertain significance. Review status: criteria provided, multiple submitters, no conflicts (2 of 4 stars). 2 submissions from 2 submitters: Uncertain significance (2). Last evaluated 2025-12-11.

Conditions:
Inborn genetic diseases. Identifiers: MedGen C0950123, MeSH D030342.

Allele frequency attached by ClinVar (database versions not stated): gnomAD exomes 0.00001.

Submissions (2):

Ambry Genetics
Classification: Uncertain significance for Inborn genetic diseases. Last evaluated: 2025-12-11. Review status: criteria provided, single submitter. Criteria: Ambry Variant Classification Scheme 2023. Collection method: clinical testing. Allele origin: germline.

Labcorp Genetics (formerly Invitae), Labcorp
Classification: Uncertain significance. Last evaluated: 2022-07-06. Review status: criteria provided, single submitter. Criteria: Invitae Variant Classification Sherloc (09022015). Collection method: clinical testing. Allele origin: germline.
Comment: In summary, the available evidence is currently insufficient to determine the role of this variant in disease. Therefore, it has been classified as a Variant of Uncertain Significance. Algorithms developed to predict the effect of missense changes on protein structure and function are either unavailable or do not agree on the potential impact of this missense change (SIFT: "Deleterious"; PolyPhen-2: "Probably Damaging"; Align-GVGD: "Class C0"). This variant has not been reported in the literature in individuals affected with INPPL1-related conditions. This variant is not present in population databases (gnomAD no frequency). This sequence change replaces arginine, which is basic and polar, with cysteine, which is neutral and slightly polar, at codon 878 of the INPPL1 protein (p.Arg878Cys).

NM_001567.4(INPPL1):c.2632C>T (p.Arg878Cys)

Gene: INPPL1 (inositol polyphosphate phosphatase like 1; plus strand). Cytogenetic location: 11q13.4.
Variant type: single nucleotide variant.
Coding change: c.2632C>T on transcript NM_001567.4 (MANE Select); coding-DNA position 2632, C replaced by T.
Protein change: p.Arg878Cys; replaces arginine 878 with cysteine.
Molecular consequence: missense variant.
Genome position (GRCh38, 1-based): chr11:72,235,424, C>T. VCF-style: chr11-72235424-C-T. GRCh37 (hg19) VCF-style: chr11-71946468-C-T.
Other names: c.2632C>T (NM_001567.3); short protein forms R878C.
Identifiers: ClinVar variation 1989950 (VCV001989950.5), dbSNP rs1591284516, ClinGen allele CA381735933.
Genomic context (GRCh38, chr11:72,235,424, plus strand): 5'-CACCGTGGCGAGGAGACAGGCAATATCAGAGGCTCCATGAAGGTGCGGGTGCCCACGGAG[C>T]GCCTGGGCACCCGTGAGCGGCTCTACGGTGGGGACTCCACTGGGACATGAGATAGGGTGG-3'
Protein context (NP_001558.3, residues 868-888): GSMKVRVPTE[Arg878Cys]LGTRERLYEW